The following is an entry in ClinVar:

NM_001370298.3(FGD4):c.632_637delinsTAAGACT (p.Arg211fs)

Gene: FGD4 (FYVE, RhoGEF and PH domain containing 4; plus strand). Cytogenetic location: 12p11.21.
Variant type: Indel.
Coding change: c.632_637delinsTAAGACT on transcript NM_001370298.3 (MANE Select); coding-DNA positions 632 to 637, GGCAGG replaced by TAAGACT.
Protein change: p.Arg211fs; shifts the reading frame from arginine 211.
Molecular consequence: frameshift variant. On other transcripts: 5 prime UTR variant (5), non-coding transcript variant (1), intron variant (1).
Genome position (GRCh38, 1-based): chr12:32,582,088-32,582,093, GGCAGG replaced by TAAGACT. VCF-style: chr12-32582088-GGCAGG-TAAGACT. GRCh37 (hg19) VCF-style: chr12-32735022-GGCAGG-TAAGACT.
Other names: c.632_637delinsTAAGACT, p.Arg211fs (NM_001384126.1); c.221_226delinsTAAGACT, p.Arg74fs (NM_001384127.1, NM_001384128.1, NM_001384131.1 and 3 more transcripts); c.-59_-54delinsTAAGACT (NM_001384130.1, NM_001330373.2, NM_001330374.2); c.49-16409_49-16404delinsTAAGACT (NM_001370297.1); c.476_481delinsTAAGACT, p.Arg159fs (NM_001304481.2); c.-624_-619delinsTAAGACT (NM_001304483.2); c.-931_-926delinsTAAGACT (NM_001304484.2); short protein forms R159fs, R211fs, R74fs.
Identifiers: ClinVar variation 5016902 (VCV005016902.1).

ClinVar aggregate classification (germline): Pathogenic (1 of 4 stars; one submission).

Submission:

GeneDx
Classification: Pathogenic. Last evaluated: 2026-02-07. Review status: criteria provided, single submitter. Criteria: GeneDx Variant Classification Process June 2021. Collection method: clinical testing. Allele origin: germline.
Comment: Frameshift variant predicted to result in protein truncation or nonsense mediated decay in a gene for which loss of function is a known mechanism of disease; Not observed at significant frequency in large population cohorts (gnomAD); Has not been previously published as pathogenic or benign to our knowledge